The following is an entry in ClinVar:

ClinVar aggregate classification (germline): Uncertain significance (1 of 4 stars; one submission).

Allele frequency attached by ClinVar (database versions not stated): gnomAD exomes below 0.00001 and 0.00001; TOPMed 0.00001; gnomAD 0.00002.

Submission:

Labcorp Genetics (formerly Invitae), Labcorp
Classification: Uncertain significance. Last evaluated: 2021-09-24. Review status: criteria provided, single submitter. Criteria: Invitae Variant Classification Sherloc (09022015). Collection method: clinical testing. Allele origin: germline.
Comment: In summary, the available evidence is currently insufficient to determine the role of this variant in disease. Therefore, it has been classified as a Variant of Uncertain Significance. Algorithms developed to predict the effect of missense changes on protein structure and function (SIFT, PolyPhen-2, Align-GVGD) all suggest that this variant is likely to be tolerated. This variant has not been reported in the literature in individuals affected with ATOH7-related conditions. This variant is not present in population databases (ExAC no frequency). This sequence change replaces serine with asparagine at codon 137 of the ATOH7 protein (p.Ser137Asn). The serine residue is weakly conserved and there is a small physicochemical difference between serine and asparagine.

NM_145178.4(ATOH7):c.410G>A (p.Ser137Asn)

Gene: ATOH7 (atonal bHLH transcription factor 7; minus strand). Cytogenetic location: 10q21.3.
Variant type: single nucleotide variant.
Coding change: c.410G>A on transcript NM_145178.4 (MANE Select); coding-DNA position 410, G replaced by A.
Protein change: p.Ser137Asn; replaces serine 137 with asparagine.
Molecular consequence: missense variant.
Genome position (GRCh38, 1-based): chr10:68,231,268, C>T on the plus strand (G>A on the coding strand, the complement: ATOH7 is on the minus strand). VCF-style: chr10-68231268-C-T. GRCh37 (hg19) VCF-style: chr10-69991025-C-T.
Other names: short protein forms S137N.
Identifiers: ClinVar variation 1463189 (VCV001463189.4), dbSNP rs1409759011, ClinGen allele CA376835060.
Genomic context (GRCh38, chr10:68,231,268, plus strand): 5'-AGGCGCGCGCCCTAGGTGGCCATCTGGAAGGGCTCGGGCTGGAAGCCGAAGAGTCTCTGG[C>T]TGTACAGCTCGCTCTCGCCCGGCAGCTTCGCGCCCGGGAACGGGAGGTAGTGGTCGCGGC-3'
Protein context (NP_660161.1, residues 127-147): AKLPGESELY[Ser137Asn]QRLFGFQPEP